The following is an entry in ClinVar:

NM_001110556.2(FLNA):c.2935C>G (p.Leu979Val)

Gene: FLNA (filamin A; minus strand). Cytogenetic location: Xq28.
Variant type: single nucleotide variant.
Coding change: c.2935C>G on transcript NM_001110556.2 (MANE Select); coding-DNA position 2935, C replaced by G.
Protein change: p.Leu979Val; replaces leucine 979 with valine.
Molecular consequence: missense variant.
Genome position (GRCh38, 1-based): chrX:154,361,679, G>C on the plus strand (C>G on the coding strand, the complement: FLNA is on the minus strand). VCF-style: chrX-154361679-G-C. GRCh37 (hg19) VCF-style: chrX-153590047-G-C.
Other names: p.Leu979Val; c.2935C>G, p.Leu979Val (NM_001456.4); short protein forms L979V.
Identifiers: ClinVar variation 2942078 (VCV002942078.4), dbSNP rs782313822, ClinGen allele CA10560808.

ClinVar aggregate classification (germline): Uncertain significance. Review status: criteria provided, multiple submitters, no conflicts (2 of 4 stars). 2 submissions from 2 submitters: Uncertain significance (2). Last evaluated 2025-12-10.

Conditions:
Cardiac valvular dysplasia, X-linked (CVDPX). Also called: Isolated X-Linked Cardiac Valvular Dysplasia; Congenital valvular dysplasia; FLNA-Related X-linked Cardiac Valvular Dysplasia; MYXOMATOUS VALVULAR DYSTROPHY, X-LINKED; VALVULAR HEART DISEASE, CONGENITAL. Identifiers: Orphanet 1864, Orphanet 555877, Orphanet 75497, MedGen C0262436, MONDO:0010753, OMIM 314400.
Oto-palato-digital syndrome, type II (OPD2). Also called: Otopalatodigital Syndrome, Type II; Otopalatodigital Syndrome Type 2 (FLNA-OPD2); FACIOPALATOOSSEOUS SYNDROME; OPD II SYNDROME. Identifiers: Orphanet 669, Orphanet 90652, MedGen C1844696, MONDO:0010571, OMIM 304120.
Melnick-Needles syndrome (MNS). Also called: Melnick-Needles Syndrome (FLNA-MNS); MELNICK-NEEDLES OSTEODYSPLASTY; OSTEODYSPLASTY OF MELNICK AND NEEDLES. Identifiers: Orphanet 2484, MedGen C0025237, MONDO:0010650, OMIM 309350.
Heterotopia, periventricular, X-linked dominant (PVNH1). Also called: PERIVENTRICULAR NODULAR HETEROTOPIA 1; X-linked periventricular heterotopia; PERIVENTRICULAR NODULAR HETEROTOPIA 4; HETEROTOPIA, PERIVENTRICULAR, 1. Identifiers: Orphanet 2149, Orphanet 82004, MedGen C1848213, MONDO:0010233, OMIM 300049.
Frontometaphyseal dysplasia (FMD1). Identifiers: Orphanet 1826, MedGen C0265293, MONDO:0015942.

Allele frequency attached by ClinVar (database versions not stated): ExAC 0.00001; gnomAD exomes below 0.00001.
gnomAD v4.1: 1 of 1,209,431 alleles (0.000083%); highest among the groups gnomAD compares: South Asian, 0.0018%; no homozygotes.

Submissions (2):

Foundation for Research in Genetics and Endocrinology, FRIGE's Institute of Human Genetics
Classification: Uncertain significance for Cardiac valvular dysplasia, X-linked. Last evaluated: 2025-12-10. Review status: criteria provided, single submitter. Criteria: ACMG Guidelines, 2015. Collection method: clinical testing. Allele origin: germline. Inheritance: X-linked inheritance. Affected: yes. Observed: 1 variant allele, 1 hemizygote.
Comment: A hemizygous variant in exon 20 of the FLNA gene that results in the amino acid substitution of Valine for Leucine at codon 979 was detected. The observed variant c.2935C>G has not been reported in the 1000 genomes and gnomAD (v3.1), gnomAD (v2.1) and topmed databases. The in silico prediction of the variant are possibly damaging by SIFT, LRT, FATHMM and MetaSVM. The reference codon is conserved across species. In summary, the variant meets our criteria to be classified as variant of uncertain significance.

Labcorp Genetics (formerly Invitae), Labcorp
Classification: Uncertain significance for Oto-palato-digital syndrome, type II; Heterotopia, periventricular, X-linked dominant; Frontometaphyseal dysplasia; Melnick-Needles syndrome. Last evaluated: 2023-03-07. Review status: criteria provided, single submitter. Criteria: Invitae Variant Classification Sherloc (09022015). Collection method: clinical testing. Allele origin: germline.
Comment: This sequence change replaces leucine, which is neutral and non-polar, with valine, which is neutral and non-polar, at codon 979 of the FLNA protein (p.Leu979Val). This variant is not present in population databases (gnomAD no frequency). This variant has not been reported in the literature in individuals affected with FLNA-related conditions. Advanced modeling of protein sequence and biophysical properties (such as structural, functional, and spatial information, amino acid conservation, physicochemical variation, residue mobility, and thermodynamic stability) performed at Invitae indicates that this missense variant is not expected to disrupt FLNA protein function. In summary, the available evidence is currently insufficient to determine the role of this variant in disease. Therefore, it has been classified as a Variant of Uncertain Significance.